The following is an entry in ClinVar:

NM_000465.4(BARD1):c.2309T>G (p.Phe770Cys)

Gene: BARD1 (BRCA1 associated RING domain 1; minus strand). Cytogenetic location: 2q35.
Variant type: single nucleotide variant.
Coding change: c.2309T>G on transcript NM_000465.4 (MANE Select); coding-DNA position 2309, T replaced by G.
Protein change: p.Phe770Cys; replaces phenylalanine 770 with cysteine.
Molecular consequence: missense variant. On other transcripts: non-coding transcript variant (3).
Genome position (GRCh38, 1-based): chr2:214,728,701, A>C on the plus strand (T>G on the coding strand, the complement: BARD1 is on the minus strand). VCF-style: chr2-214728701-A-C. GRCh37 (hg19) VCF-style: chr2-215593425-A-C.
Other names: c.2252T>G, p.Phe751Cys (NM_001282543.2); c.956T>G, p.Phe319Cys (NM_001282545.2); c.899T>G, p.Phe300Cys (NM_001282548.2); c.770T>G, p.Phe257Cys (NM_001282549.2); short protein forms F257C, F751C, F300C, F319C, F770C.
Identifiers: ClinVar variation 967350 (VCV000967350.10), dbSNP rs1692190854, ClinGen allele CA350449750.

ClinVar aggregate classification (germline): Uncertain significance (1 of 4 stars; one submission).

Conditions:
Familial cancer of breast. Also called: Hereditary breast cancer; BREAST CANCER, FAMILIAL; hereditary breast carcinoma. Identifiers: Orphanet 227535, MedGen C0346153, MONDO:0016419, OMIM 114480. Disease mechanism: loss of function.

Submission:

Labcorp Genetics (formerly Invitae), Labcorp
Classification: Uncertain significance for Familial cancer of breast. Last evaluated: 2019-10-22. Review status: criteria provided, single submitter. Criteria: Invitae Variant Classification Sherloc (09022015). Collection method: clinical testing. Allele origin: germline.
Comment: In summary, the available evidence is currently insufficient to determine the role of this variant in disease. Therefore, it has been classified as a Variant of Uncertain Significance. Algorithms developed to predict the effect of sequence changes on RNA splicing suggest that this variant may create or strengthen a splice site, but this prediction has not been confirmed by published transcriptional studies. Algorithms developed to predict the effect of missense changes on protein structure and function (SIFT, PolyPhen-2, Align-GVGD) all suggest that this variant is likely to be disruptive, but these predictions have not been confirmed by published functional studies and their clinical significance is uncertain. This variant has not been reported in the literature in individuals with BARD1-related conditions. This variant is not present in population databases (ExAC no frequency). This sequence change replaces phenylalanine with cysteine at codon 770 of the BARD1 protein (p.Phe770Cys). The phenylalanine residue is highly conserved and there is a large physicochemical difference between phenylalanine and cysteine.